The following is an entry in ClinVar:

NM_000059.4(BRCA2):c.4022C>G (p.Ser1341Ter)

Gene: BRCA2 (BRCA2 DNA repair associated; plus strand). Cytogenetic location: 13q13.1.
Variant type: single nucleotide variant.
Coding change: c.4022C>G on transcript NM_000059.4 (MANE Select); coding-DNA position 4022, C replaced by G.
Protein change: p.Ser1341Ter; replaces serine 1341 with a stop codon.
Molecular consequence: nonsense.
Genome position (GRCh38, 1-based): chr13:32,338,377, C>G. VCF-style: chr13-32338377-C-G. GRCh37 (hg19) VCF-style: chr13-32912514-C-G.
Other names: c.4022C>G, p.Ser1341Ter (NM_001406719.1, NM_001406720.1); short protein forms S1341*.
Identifiers: ClinVar variation 1737126 (VCV001737126.4), dbSNP rs1135401901, ClinGen allele CA387779045.
Genomic context (GRCh38, chr13:32,338,377, plus strand): 5'-ATAACAAATATACTGCTGCCAGTAGAAATTCTCATAACTTAGAATTTGATGGCAGTGATT[C>G]AAGTAAAAATGATACTGTTTGTATTCATAAAGATGAAACGGACTTGCTATTTACTGATCA-3'

ClinVar aggregate classification (germline): Pathogenic. Review status: criteria provided, multiple submitters, no conflicts (2 of 4 stars). 3 submissions from 3 submitters: Pathogenic (3). Last evaluated 2025-05-15.

Conditions:
Wilms tumor 1 (WT1). Also called: Wilms tumor, somatic. Identifiers: Orphanet 654, MedGen CN033288, MONDO:0008679, OMIM 194070.
Breast-ovarian cancer, familial, susceptibility to, 2 (BROVCA2). Also called: BRCA2 Hereditary Breast and Ovarian Cancer. Identifiers: Orphanet 145, MedGen C2675520, MONDO:0012933, OMIM 612555. Disease mechanism: loss of function.
Familial prostate cancer. Also called: Hereditary Prostate Cancer. Identifiers: MedGen C2931456, MONDO:0700275, OMIM 176807.
Familial cancer of breast. Also called: hereditary breast carcinoma; BREAST CANCER, FAMILIAL; Hereditary breast cancer. Identifiers: Orphanet 227535, MedGen C0346153, MONDO:0016419, OMIM 114480. Disease mechanism: loss of function.
Pancreatic cancer, susceptibility to, 2. Identifiers: Orphanet 1333, MedGen C3150546, MONDO:0013235, OMIM 613347.
Glioma susceptibility 3 (GLM3). Also called: Glioblastoma 3. Identifiers: Orphanet 182067, Orphanet 360, MedGen C2751641, MONDO:0013093, OMIM 613029.
Medulloblastoma (MDB). Also called: Medulloblastoma, somatic; MEDULLOBLASTOMA PREDISPOSITION SYNDROME. Identifiers: Orphanet 616, MedGen C0025149, MeSH D008527, MONDO:0007959, OMIM 155255, HP:0002885.
Fanconi anemia complementation group D1. Also called: BRCA2-Related Fanconi Anemia. Identifiers: Orphanet 319462, MedGen C1838457, MONDO:0011584, OMIM 605724.
Hereditary cancer-predisposing syndrome. Also called: Hereditary neoplastic syndrome; Neoplastic Syndromes, Hereditary; Tumor predisposition; Hereditary Cancer Syndrome. Identifiers: Orphanet 140162, MedGen C0027672, MeSH D009386, MONDO:0015356.
Hereditary breast ovarian cancer syndrome. Also called: BRCA1- and BRCA2-Associated Hereditary Breast and Ovarian Cancer; Hereditary breast and ovarian cancer syndrome (HBOC); Hereditary breast and ovarian cancer syndrome; Hereditary breast and ovarian cancer; Breast and ovarian cancer; Hereditary breast and/or ovarian cancer syndrome. Identifiers: Orphanet 145, MedGen C0677776, MeSH D061325, MONDO:0003582. Disease mechanism: loss of function.

Submissions (3):

GeneKor MSA
Classification: Pathogenic for Hereditary breast ovarian cancer syndrome. Last evaluated: 2025-05-15. Review status: criteria provided, single submitter. Criteria: ACMG Guidelines, 2015. Collection method: clinical testing. Allele origin: germline. Affected: yes.
Comment: This variant, located in coding exon 10 of the BRCA2 gene, is a single base substitution at nucleotide position 4022, c.(4022C>G), replacing Serine with a termination stop signal at codon 1341, p.(Ser1341*). This results in the production of a truncated, non-functional protein. To our knowledge this variant has not been described in population databases . ClinVar contains entries for this variant (VCV001737126.3). However, truncating variants in BRCA2 are known to be pathogenic (PMID:20104584). Based on the classification criteria set by the ACMG and AMP (PMID:25741868) this variant has been classified as pathogenic.

Fulgent Genetics
Classification: Pathogenic for Familial cancer of breast; Medulloblastoma; Familial prostate cancer; Wilms tumor 1; Fanconi anemia complementation group D1; Breast-ovarian cancer, familial, susceptibility to, 2; Glioma susceptibility 3; Pancreatic cancer, susceptibility to, 2. Last evaluated: 2024-02-05. Review status: criteria provided, single submitter. Criteria: ACMG Guidelines, 2015. Collection method: clinical testing. Allele origin: germline.

Ambry Genetics
Classification: Pathogenic for Hereditary cancer-predisposing syndrome. Last evaluated: 2021-09-29. Review status: criteria provided, single submitter. Criteria: Ambry Variant Classification Scheme 2023. Collection method: clinical testing. Allele origin: germline.
Comment: The p.S1341* pathogenic mutation (also known as c.4022C>G), located in coding exon 10 of the BRCA2 gene, results from a C to G substitution at nucleotide position 4022. This changes the amino acid from a serine to a stop codon within coding exon 10. This variant is considered to be rare based on population cohorts in the Genome Aggregation Database (gnomAD). This alteration is expected to result in loss of function by premature protein truncation or nonsense-mediated mRNA decay. As such, this alteration is interpreted as a disease-causing mutation.

Literature cited by the submitters: PubMed 20104584 (cited by GeneKor MSA).